The following is an entry in ClinVar:

NM_024989.4(PGAP1):c.2286+5G>T

Gene: PGAP1 (post-GPI attachment to proteins inositol deacylase 1; minus strand). Cytogenetic location: 2q33.1.
Variant type: single nucleotide variant.
Coding change: c.2286+5G>T on transcript NM_024989.4 (MANE Select); 5 bases into the intron after coding-DNA position 2286, G replaced by T.
Molecular consequence: intron variant.
Genome position (GRCh38, 1-based): chr2:196,845,877, C>A on the plus strand (G>T on the coding strand, the complement: PGAP1 is on the minus strand). VCF-style: chr2-196845877-C-A. GRCh37 (hg19) VCF-style: chr2-197710601-C-A.
Other names: c.1119+5G>T (NM_001321100.2); c.1764+5G>T (NM_001321099.2).
Identifiers: ClinVar variation 4534357 (VCV004534357.6).

ClinVar aggregate classification (germline): Uncertain significance (1 of 4 stars; one submission).

Submission:

CeGaT Center for Human Genetics Tuebingen
Classification: Uncertain significance. Last evaluated: 2025-11-01. Review status: criteria provided, single submitter. Criteria: CeGaT Center For Human Genetics Tuebingen Variant Classification Criteria Version 2. Collection method: clinical testing. Allele origin: germline. Affected: yes. Observed: 1 variant allele.
Comment: PGAP1: PM2, PM3:Supporting